The following is an entry in ClinVar:

NM_181882.3(PRX):c.296C>T (p.Thr99Ile)

Gene: PRX (periaxin; minus strand). Cytogenetic location: 19q13.2.
Variant type: single nucleotide variant.
Coding change: c.296C>T on transcript NM_181882.3 (MANE Select); coding-DNA position 296, C replaced by T.
Protein change: p.Thr99Ile; replaces threonine 99 with isoleucine.
Molecular consequence: missense variant.
Genome position (GRCh38, 1-based): chr19:40,398,705, G>A on the plus strand (C>T on the coding strand, the complement: PRX is on the minus strand). VCF-style: chr19-40398705-G-A. GRCh37 (hg19) VCF-style: chr19-40904612-G-A.
Other names: c.296C>T, p.Thr99Ile (NM_020956.2); short protein forms T99I.
Identifiers: ClinVar variation 574956 (VCV000574956.8), dbSNP rs561203828, ClinGen allele CA9444514.

ClinVar aggregate classification (germline): Uncertain significance (1 of 4 stars; one submission).

Conditions:
Charcot-Marie-Tooth disease type 4. Also called: Charcot-Marie-Tooth disease, type IV; Charcot-Marie-Tooth, Type 4. Identifiers: Orphanet 64749, MedGen C4082197, MONDO:0018995.

Submission:

Labcorp Genetics (formerly Invitae), Labcorp
Classification: Uncertain significance for Charcot-Marie-Tooth disease type 4. Last evaluated: 2018-06-19. Review status: criteria provided, single submitter. Criteria: Invitae Variant Classification Sherloc (09022015). Collection method: clinical testing. Allele origin: germline.
Comment: In summary, the available evidence is currently insufficient to determine the role of this variant in disease. Therefore, it has been classified as a Variant of Uncertain Significance. Algorithms developed to predict the effect of missense changes on protein structure and function are either unavailable or do not agree on the potential impact of this missense change (SIFT: "Tolerated"; PolyPhen-2: "Possibly Damaging"; Align-GVGD: "Class C0"). This variant has not been reported in the literature in individuals with PRX-related disease. This variant is present in population databases (rs561203828, ExAC 0.01%). This sequence change replaces threonine with isoleucine at codon 99 of the PRX protein (p.Thr99Ile). The threonine residue is moderately conserved and there is a moderate physicochemical difference between threonine and isoleucine.